The following is an entry in ClinVar:

NM_006186.4(NR4A2):c.920T>G (p.Val307Gly)

Gene: NR4A2 (nuclear receptor subfamily 4 group A member 2; minus strand). Cytogenetic location: 2q24.1.
Variant type: single nucleotide variant.
Coding change: c.920T>G on transcript NM_006186.4 (MANE Select); coding-DNA position 920, T replaced by G.
Protein change: p.Val307Gly; replaces valine 307 with glycine.
Molecular consequence: missense variant.
Genome position (GRCh38, 1-based): chr2:156,328,478, A>C on the plus strand (T>G on the coding strand, the complement: NR4A2 is on the minus strand). VCF-style: chr2-156328478-A-C. GRCh37 (hg19) VCF-style: chr2-157184990-A-C.
Other names: c.731T>G, p.Val244Gly (NM_173173.3); short protein forms V244G, V307G.
Identifiers: ClinVar variation 3256745 (VCV003256745.1).
Genomic context (GRCh38, chr2:156,328,478, plus strand): 5'-CCAACAGCCAGGCACTTCTGAAATCGGCAGTACTGACAGCGATTCCGGCGACGCTTGTCC[A>C]CTGGGCAGTTTTTATTTGCTAAACACACGTATTTTGCATTTTTTTGCACTGTGCGCTGCA-3'
Protein context (NP_006177.1, residues 297-317): YVCLANKNCP[Val307Gly]DKRRRNRCQY

ClinVar aggregate classification (germline): Likely pathogenic (0 of 4 stars; one submission).

Conditions:
Intellectual developmental disorder with language impairment and early-onset DOPA-responsive dystonia-parkinsonism (IDLDP). Identifiers: Orphanet 660017, MedGen C5677001, MONDO:0859257, OMIM 619911.

Submission:

Solve-RD Consortium
Classification: Likely pathogenic for Intellectual developmental disorder with language impairment and early-onset DOPA-responsive dystonia-parkinsonism. Last evaluated: 2022-06-01. Review status: no assertion criteria provided. Collection method: provider interpretation. Allele origin: inherited. Affected: yes.
Comment: Variant confirmed as disease-causing by referring clinical team

Variant identified during reanalysis of unsolved cases by the Solve-RD project. The Solve-RD project has received funding from the European Union’s Horizon 2020 research and innovation programme under grant agreement No 779257.

Literature cited by the submitters: PubMed 39825153.